The following is an entry in ClinVar:

ClinVar aggregate classification (germline): Uncertain significance (1 of 4 stars; one submission).

Conditions:
Hypertrophic cardiomyopathy. Also called: HYPERTROPHIC MYOCARDIOPATHY. Identifiers: Orphanet 217569, MedGen C0007194, MeSH D002312, MONDO:0005045, HP:0001639.

gnomAD v4.1: 2 of 1,613,816 alleles (0.00012%); highest among the groups gnomAD compares: Non-Finnish European, 0.00017%; no homozygotes.

Submission:

Labcorp Genetics (formerly Invitae), Labcorp
Classification: Uncertain significance for Hypertrophic cardiomyopathy. Last evaluated: 2024-03-29. Review status: criteria provided, single submitter. Criteria: Invitae Variant Classification Sherloc (09022015). Collection method: clinical testing. Allele origin: germline.
Comment: This sequence change replaces alanine, which is neutral and non-polar, with valine, which is neutral and non-polar, at codon 13 of the MYL3 protein (p.Ala13Val). This variant is not present in population databases (gnomAD no frequency). This variant has not been reported in the literature in individuals affected with MYL3-related conditions. Experimental studies and prediction algorithms are not available or were not evaluated, and the functional significance of this variant is currently unknown. In summary, the available evidence is currently insufficient to determine the role of this variant in disease. Therefore, it has been classified as a Variant of Uncertain Significance.

NM_000258.3(MYL3):c.38C>T (p.Ala13Val)

Gene: MYL3 (myosin light chain 3; minus strand). Cytogenetic location: 3p21.31.
Variant type: single nucleotide variant.
Coding change: c.38C>T on transcript NM_000258.3 (MANE Select); coding-DNA position 38, C replaced by T.
Protein change: p.Ala13Val; replaces alanine 13 with valine.
Molecular consequence: missense variant.
Genome position (GRCh38, 1-based): chr3:46,863,353, G>A on the plus strand (C>T on the coding strand, the complement: MYL3 is on the minus strand). VCF-style: chr3-46863353-G-A. GRCh37 (hg19) VCF-style: chr3-46904843-G-A.
Other names: c.38C>T, p.Ala13Val (NM_001406937.1, NM_001406938.1, NM_001406939.1); short protein forms A13V.
Identifiers: ClinVar variation 3666228 (VCV003666228.2).